The following is an entry in ClinVar:

ClinVar aggregate classification (germline): Likely benign (0 of 4 stars; one submission).

Conditions:
DMGDH-related disorder. Also called: DMGDH-related condition.

Allele frequency attached by ClinVar (database versions not stated): gnomAD exomes 0.00012; gnomAD 0.00019; TOPMed 0.00026; ExAC 0.00039; 1000 Genomes Project 30x 0.00047; 1000 Genomes Project 0.00060.
gnomAD v4.1: 212 of 1,614,152 alleles (0.013%); highest among the groups gnomAD compares: East Asian, 0.41%; no homozygotes.

Submission:

PreventionGenetics, part of Exact Sciences
Classification: Likely benign for DMGDH-related condition. Last evaluated: 2023-06-08. Review status: no assertion criteria provided. Collection method: clinical testing. Allele origin: germline.
Comment: This variant is classified as likely benign based on ACMG/AMP sequence variant interpretation guidelines (Richards et al. 2015 PMID: 25741868, with internal and published modifications).

NM_013391.3(DMGDH):c.557A>G (p.Tyr186Cys)

Gene: DMGDH (dimethylglycine dehydrogenase; minus strand). Cytogenetic location: 5q14.1.
Variant type: single nucleotide variant.
Coding change: c.557A>G on transcript NM_013391.3 (MANE Select); coding-DNA position 557, A replaced by G.
Protein change: p.Tyr186Cys; replaces tyrosine 186 with cysteine.
Molecular consequence: missense variant.
Genome position (GRCh38, 1-based): chr5:79,051,475, T>C on the plus strand (A>G on the coding strand, the complement: DMGDH is on the minus strand). VCF-style: chr5-79051475-T-C. GRCh37 (hg19) VCF-style: chr5-78347298-T-C.
Other names: short protein forms Y186C.
Identifiers: ClinVar variation 3051362 (VCV003051362.2), dbSNP rs367867088, ClinGen allele CA3318945.